The following is an entry in ClinVar:

NM_000093.5(COL5A1):c.1688C>T (p.Pro563Leu)

Gene: COL5A1 (collagen type V alpha 1 chain; plus strand). Cytogenetic location: 9q34.3.
Variant type: single nucleotide variant.
Coding change: c.1688C>T on transcript NM_000093.5 (MANE Select); coding-DNA position 1688, C replaced by T.
Protein change: p.Pro563Leu; replaces proline 563 with leucine.
Molecular consequence: missense variant.
Genome position (GRCh38, 1-based): chr9:134,752,614, C>T. VCF-style: chr9-134752614-C-T. GRCh37 (hg19) VCF-style: chr9-137644460-C-T.
Other names: p.P563L:CCG>CTG; c.1688C>T, p.Pro563Leu (NM_001278074.1); short protein forms P563L.
Identifiers: ClinVar variation 212939 (VCV000212939.10), dbSNP rs753260027, ClinGen allele CA325427.

ClinVar aggregate classification (germline): Conflicting classifications of pathogenicity. Review status: criteria provided, conflicting classifications (1 of 4 stars). 3 submissions from 3 submitters: Uncertain significance (2); Likely benign (1). Last evaluated 2025-07-03.

Conditions:
Ehlers-Danlos syndrome, classic type, 1 (EDSCL1). Also called: Ehlers-Danlos Syndrome, Classic Type, COL5A1-Related; EHLERS-DANLOS SYNDROME, GRAVIS TYPE; EHLERS-DANLOS SYNDROME, SEVERE CLASSIC TYPE; Ehlers-Danlos syndrome, type 1; EDS I. Identifiers: MedGen C0268335, MONDO:0019567, OMIM 130000.
Familial thoracic aortic aneurysm and aortic dissection (TAAD). Also called: Thoracic aortic aneurysms and dissections. Identifiers: Orphanet 91387, MedGen C4707243, MONDO:0019625.

Allele frequency attached by ClinVar (database versions not stated): ExAC 0.00001; gnomAD exomes below 0.00001.
gnomAD v4.1: 2 of 1,613,606 alleles (0.00012%); highest among the groups gnomAD compares: Non-Finnish European, 0.00017%; no homozygotes.

Submissions (3):

Labcorp Genetics (formerly Invitae), Labcorp
Classification: Likely benign for Ehlers-Danlos syndrome, classic type, 1. Last evaluated: 2025-07-03. Review status: criteria provided, single submitter. Criteria: Invitae Variant Classification Sherloc (09022015). Collection method: clinical testing. Allele origin: germline.

Ambry Genetics
Classification: Uncertain significance for Familial thoracic aortic aneurysm and aortic dissection. Last evaluated: 2024-07-18. Review status: criteria provided, single submitter. Criteria: Ambry Variant Classification Scheme 2023. Collection method: clinical testing. Allele origin: germline.
Comment: The p.P563L variant (also known as c.1688C>T), located in coding exon 14 of the COL5A1 gene, results from a C to T substitution at nucleotide position 1688. The proline at codon 563 is replaced by leucine, an amino acid with similar properties. This amino acid position is highly conserved in available vertebrate species. In addition, this alteration is predicted to be deleterious by in silico analysis. Based on the available evidence, the clinical significance of this variant remains unclear.

GeneDx
Classification: Uncertain significance. Last evaluated: 2020-01-14. Review status: criteria provided, single submitter. Criteria: GeneDx Variant Classification Process June 2021. Collection method: clinical testing. Allele origin: germline. Affected: yes.
Comment: Not observed at a significant frequency in large population cohorts (Lek et al., 2016); In silico analysis, which includes protein predictors and evolutionary conservation, supports a deleterious effect; Has not been previously published as pathogenic or benign to our knowledge; Occurs in the triple helical domain at the X position in the canonical Gly-X-Y repeat; although this variant may have an effect on normal protein folding and function, missense substitution at the X position is not a common mechanism of disease (Symoens et al., 2012; Stenson et al., 2014)